The following is an entry in ClinVar:

NM_002520.7(NPM1):c.362A>G (p.Glu121Gly)

Gene: NPM1 (nucleophosmin 1; plus strand). Cytogenetic location: 5q35.1.
Variant type: single nucleotide variant.
Coding change: c.362A>G on transcript NM_002520.7 (MANE Select); coding-DNA position 362, A replaced by G.
Protein change: p.Glu121Gly; replaces glutamic acid 121 with glycine.
Molecular consequence: missense variant. On other transcripts: non-coding transcript variant (1).
Genome position (GRCh38, 1-based): chr5:171,392,719, A>G. VCF-style: chr5-171392719-A-G. GRCh37 (hg19) VCF-style: chr5-170819723-A-G.
Other names: c.362A>G, p.Glu121Gly (NM_001037738.3, NM_001355006.2, NM_001355009.2 and 1 more transcripts); c.170A>G, p.Glu57Gly (NM_001355007.2); c.68A>G, p.Glu23Gly (NM_001355010.2); short protein forms E121G, E23G, E57G.
Identifiers: ClinVar variation 134988 (VCV000134988.1), dbSNP rs587778580, ClinGen allele CA161303.

ClinVar aggregate classification (germline): not provided (0 of 4 stars; one submission).

Submission:

ITMI
No classification provided. Condition: AllHighlyPenetrant. Last evaluated: 2013-09-19. Review status: no classification provided. Collection method: reference population. Allele origin: germline.
Comment: Please see associated publication for description of ethnicities

Literature cited by the submitters: PubMed 24728327.